The following is an entry in ClinVar:

NM_001034116.2(EIF2B4):c.295G>A (p.Glu99Lys)

Gene: EIF2B4 (eukaryotic translation initiation factor 2B subunit delta; minus strand). Cytogenetic location: 2p23.3.
Variant type: single nucleotide variant.
Coding change: c.295G>A on transcript NM_001034116.2 (MANE Select); coding-DNA position 295, G replaced by A.
Protein change: p.Glu99Lys; replaces glutamic acid 99 with lysine.
Molecular consequence: missense variant. On other transcripts: 5 prime UTR variant (2).
Genome position (GRCh38, 1-based): chr2:27,369,129, C>T on the plus strand (G>A on the coding strand, the complement: EIF2B4 is on the minus strand). VCF-style: chr2-27369129-C-T. GRCh37 (hg19) VCF-style: chr2-27591996-C-T.
Other names: c.358G>A, p.Glu120Lys (NM_001318965.2); c.250G>A, p.Glu84Lys (NM_001318966.2); c.202G>A, p.Glu68Lys (NM_001318967.2); c.-221G>A (NM_001318968.2); c.-298G>A (NM_001318969.2); c.292G>A, p.Glu98Lys (NM_015636.4); c.355G>A, p.Glu119Lys (NM_172195.4); short protein forms E119K, E120K, E84K, E99K, E68K, E98K.
Identifiers: ClinVar variation 1033785 (VCV001033785.2), dbSNP rs758233858, ClinGen allele CA1576947.

ClinVar aggregate classification (germline): Uncertain significance. Review status: criteria provided, multiple submitters, no conflicts (2 of 4 stars). 2 submissions from 2 submitters: Uncertain significance (2). Last evaluated 2025-11-20.

Conditions:
Inborn genetic diseases. Identifiers: MedGen C0950123, MeSH D030342.
Vanishing white matter disease. Also called: CACH syndrome; Childhood ataxia with diffuse central nervous system hypomyelination; Leukoencephalopathy with vanishing white matter; CACH/VWM syndrome; Cree leukoencehalopathy. Identifiers: Orphanet 135, Orphanet 99853, MedGen C1858991, MONDO:0800448.

Allele frequency attached by ClinVar (database versions not stated): gnomAD exomes 0.00001; TOPMed 0.00001; ExAC 0.00002; gnomAD 0.00002.
gnomAD v4.1: 16 of 1,613,854 alleles (0.00099%); highest among the groups gnomAD compares: African/African-American, 0.008%; no homozygotes.

Submissions (2):

Ambry Genetics
Classification: Uncertain significance for Inborn genetic diseases. Last evaluated: 2025-11-20. Review status: criteria provided, single submitter. Criteria: Ambry Variant Classification Scheme 2023. Collection method: clinical testing. Allele origin: germline.

Baylor Genetics
Classification: Uncertain significance for Leukoencephalopathy with vanishing white matter 1. Last evaluated: 2018-01-24. Review status: criteria provided, single submitter. Criteria: ACMG Guidelines, 2015. Collection method: clinical testing. Allele origin: paternal. Affected: yes.
Comment: This variant was determined to be of uncertain significance according to ACMG Guidelines, 2015 [PMID:25741868].